The following is an entry in ClinVar:

ClinVar aggregate classification (germline): Likely benign (1 of 4 stars; one submission).

gnomAD v4.1: 12 of 1,613,620 alleles (0.00074%); highest among the groups gnomAD compares: African/African-American, 0.0027%; no homozygotes.

Submission:

CeGaT Center for Human Genetics Tuebingen
Classification: Likely benign. Last evaluated: 2026-04-01. Review status: criteria provided, single submitter. Criteria: CeGaT Center For Human Genetics Tuebingen Variant Classification Criteria Version 2. Collection method: clinical testing. Allele origin: germline. Affected: yes. Observed: 1 variant allele.
Comment: GABRA5: BP4, BP7

NM_000810.4(GABRA5):c.1311C>T (p.Phe437=)

Gene: GABRA5 (gamma-aminobutyric acid type A receptor subunit alpha5; plus strand). Cytogenetic location: 15q12.
Variant type: single nucleotide variant.
Coding change: c.1311C>T on transcript NM_000810.4 (MANE Select); coding-DNA position 1311, C replaced by T.
Protein change: p.Phe437=; no amino-acid change (phenylalanine 437 retained).
Molecular consequence: synonymous variant.
Genome position (GRCh38, 1-based): chr15:26,948,155, C>T. VCF-style: chr15-26948155-C-T. GRCh37 (hg19) VCF-style: chr15-27193302-C-T.
Other names: c.1311C>T, p.Phe437= (NM_001165037.2).
Identifiers: ClinVar variation 4873620 (VCV004873620.2).